The following is an entry in ClinVar:

ClinVar aggregate classification (germline): Likely benign. Review status: criteria provided, single submitter (1 of 4 stars). 2 submissions from 2 submitters: Likely benign (1). 1 of the submissions does not count toward it. Last evaluated 2025-12-02.

Conditions:
MPDZ-related disorder. Also called: MPDZ-related condition.

Allele frequency attached by ClinVar (database versions not stated): gnomAD exomes 0.00007 and 0.00017; ExAC 0.00010; TOPMed 0.00010; gnomAD 0.00012 and 0.00013; ESP Exome Variant Server 0.00017.
gnomAD v4.1: 258 of 1,589,844 alleles (0.016%); highest among the groups gnomAD compares: Non-Finnish European, 0.021%; no homozygotes.

Submissions (2):

Labcorp Genetics (formerly Invitae), Labcorp
Classification: Likely benign. Last evaluated: 2025-12-02. Review status: criteria provided, single submitter. Criteria: Invitae Variant Classification Sherloc (09022015). Collection method: clinical testing. Allele origin: germline.

PreventionGenetics, part of Exact Sciences
Classification: Likely benign for MPDZ-related condition. Last evaluated: 2019-08-28. Review status: no assertion criteria provided. Collection method: clinical testing. Allele origin: germline. Not counted in ClinVar's aggregate classification.
Comment: This variant is classified as likely benign based on ACMG/AMP sequence variant interpretation guidelines (Richards et al. 2015 PMID: 25741868, with internal and published modifications).

NM_001378778.1(MPDZ):c.5982A>G (p.Pro1994=)

Gene: MPDZ (multiple PDZ domain crumbs cell polarity complex component; minus strand). Cytogenetic location: 9p23.
Variant type: single nucleotide variant.
Coding change: c.5982A>G on transcript NM_001378778.1 (MANE Select); coding-DNA position 5982, A replaced by G.
Protein change: p.Pro1994=; no amino-acid change (proline 1994 retained).
Molecular consequence: synonymous variant.
Genome position (GRCh38, 1-based): chr9:13,109,020, T>C on the plus strand (A>G on the coding strand, the complement: MPDZ is on the minus strand). VCF-style: chr9-13109020-T-C. GRCh37 (hg19) VCF-style: chr9-13109019-T-C.
Other names: c.5883A>G, p.Pro1961= (NM_001261406.2, NM_001375416.1, NM_001375417.1 and 1 more transcripts); c.5796A>G, p.Pro1932= (NM_001261407.2, NM_001375419.1); c.5982A>G, p.Pro1994= (NM_001330637.2); c.6081A>G, p.Pro2027= (NM_001375413.1); c.5772A>G, p.Pro1924= (NM_001375420.1, NM_001375421.1, NM_001375422.1 and 2 more transcripts); c.5685A>G, p.Pro1895= (NM_001375425.1, NM_001375426.1); c.5574A>G, p.Pro1858= (NM_001375427.1); c.5895A>G, p.Pro1965= (NM_003829.5); and 1 more.
Identifiers: ClinVar variation 1568453 (VCV001568453.10), dbSNP rs369825815, ClinGen allele CA4986003.